The following is an entry in ClinVar:

NM_001184880.2(PCDH19):c.2616+13A>T

Genes: PCDH19 (protocadherin 19; minus strand), LOC125467768 (CDK7 strongly-dependent group 2 enhancer GRCh37_chrX:99657381-99658580; plus strand). Cytogenetic location: Xq22.1.
Variant type: single nucleotide variant.
Coding change: c.2616+13A>T on transcript NM_001184880.2 (MANE Select); 13 bases into the intron after coding-DNA position 2616, A replaced by T.
Molecular consequence: intron variant.
Genome position (GRCh38, 1-based): chrX:100,402,511, T>A on the plus strand (A>T on the coding strand, the complement: PCDH19 is on the minus strand). VCF-style: chrX-100402511-T-A. GRCh37 (hg19) VCF-style: chrX-99657509-T-A.
Other names: c.2475+13A>T (NM_020766.3, NM_001105243.2).
Identifiers: ClinVar variation 512704 (VCV000512704.1), dbSNP rs903221490, ClinGen allele CA333825796.

ClinVar aggregate classification (germline): Likely benign (1 of 4 stars; one submission).

Allele frequency attached by ClinVar (database versions not stated): gnomAD 0.00002; TOPMed 0.00003 and 0.00002.
gnomAD v4.1: 2 of 1,200,836 alleles (0.00017%); highest among the groups gnomAD compares: African/African-American, 0.0035%; no homozygotes.

Submission:

GeneDx
Classification: Likely benign. Last evaluated: 2017-10-19. Review status: criteria provided, single submitter. Criteria: GeneDx Variant Classification (06012015). Collection method: clinical testing. Allele origin: germline. Affected: yes.
Comment: This variant is considered likely benign or benign based on one or more of the following criteria: it is a conservative change, it occurs at a poorly conserved position in the protein, it is predicted to be benign by multiple in silico algorithms, and/or has population frequency not consistent with disease.